The following is an entry in ClinVar:

ClinVar aggregate classification (germline): Uncertain significance (1 of 4 stars; one submission).

Conditions:
AHDC1-related disorder. Also called: AHDC1-related condition.

gnomAD v4.1: 1 of 1,609,934 alleles (0.000062%); highest among the groups gnomAD compares: East Asian, 0.0022%; no homozygotes.

Submission:

PreventionGenetics, part of Exact Sciences
Classification: Uncertain significance for AHDC1-related condition. Last evaluated: 2026-04-20. Review status: criteria provided, single submitter. Criteria: ACMG Guidelines, 2015. Collection method: clinical testing. Allele origin: germline.
Comment: The AHDC1 c.862C>G variant is predicted to result in the amino acid substitution p.Leu288Val. To our knowledge, this variant has not been reported in the literature. This variant is reported in 0.0056% of alleles in individuals of East Asian descent in gnomAD. At this time, the clinical significance of this variant is uncertain due to the absence of conclusive functional and genetic evidence.

NM_001371928.1(AHDC1):c.862C>G (p.Leu288Val)

Gene: AHDC1 (AT-hook DNA binding motif containing 1; minus strand). Cytogenetic location: 1p36.11.
Variant type: single nucleotide variant.
Coding change: c.862C>G on transcript NM_001371928.1 (MANE Select); coding-DNA position 862, C replaced by G.
Protein change: p.Leu288Val; replaces leucine 288 with valine.
Molecular consequence: missense variant.
Genome position (GRCh38, 1-based): chr1:27,551,254, G>C on the plus strand (C>G on the coding strand, the complement: AHDC1 is on the minus strand). VCF-style: chr1-27551254-G-C. GRCh37 (hg19) VCF-style: chr1-27877765-G-C.
Other names: c.862C>G, p.Leu288Val (NM_001029882.3); short protein forms L288V.
Identifiers: ClinVar variation 4995457 (VCV004995457.1).
Genomic context (GRCh38, chr1:27,551,254, plus strand): 5'-CCAGAGGATCAGCAAGAGGTTGCAGGGGTGGCAGCTCCAGAGCTTCCCCGAGCGGCTCTA[G>C]TGCCTGCGGGTCCAGGAAGCGGGGCTGGGGGTCCAGGAGCTGAGGCTCCGGCTCGGGCGA-3'
Protein context (NP_001358857.1, residues 278-298): PQPRFLDPQA[Leu288Val]EPLGEALELP